The following is an entry in ClinVar:

ClinVar aggregate classification (germline): Uncertain significance (1 of 4 stars; one submission).

Submission:

Labcorp Genetics (formerly Invitae), Labcorp
Classification: Uncertain significance. Last evaluated: 2025-12-02. Review status: criteria provided, single submitter. Criteria: Invitae Variant Classification Sherloc (09022015). Collection method: clinical testing. Allele origin: germline.
Comment: This sequence change replaces arginine, which is basic and polar, with leucine, which is neutral and non-polar, at codon 974 of the DUOX2 protein (p.Arg974Leu). This variant also falls at the last nucleotide of exon 22, which is part of the consensus splice site for this exon. This variant is not present in population databases (gnomAD no frequency). This variant has not been reported in the literature in individuals affected with DUOX2-related conditions. An algorithm developed to predict the effect of missense changes on protein structure and function (PolyPhen-2) suggests that this variant is likely to be tolerated. Variants that disrupt the consensus splice site are a relatively common cause of aberrant splicing (PMID: 17576681, 9536098). Algorithms developed to predict the effect of sequence changes on RNA splicing suggest that this variant may disrupt the consensus splice site. This variant disrupts the p.Arg974 amino acid residue in DUOX2. Other variant(s) that disrupt this residue have been determined to be pathogenic (PMID: 29650690, 32425884, 33631011, 33644218, 34539567, 34564849, 37390946). This suggests that this residue is clinically significant, and that variants that disrupt this residue are likely to be disease-causing. In summary, the available evidence is currently insufficient to determine the role of this variant in disease. Therefore, it has been classified as a Variant of Uncertain Significance.

Literature cited by the submitters: PubMed 17576681; PubMed 9536098; PubMed 29650690; PubMed 32425884; PubMed 33631011; PubMed 33644218; PubMed 34539567; PubMed 34564849; PubMed 37390946.

NM_001363711.2(DUOX2):c.2921G>T (p.Arg974Leu)

Gene: DUOX2 (dual oxidase 2; minus strand). Cytogenetic location: 15q21.1.
Variant type: single nucleotide variant.
Coding change: c.2921G>T on transcript NM_001363711.2 (MANE Select); coding-DNA position 2921, G replaced by T.
Protein change: p.Arg974Leu; replaces arginine 974 with leucine.
Molecular consequence: missense variant.
Genome position (GRCh38, 1-based): chr15:45,101,205, C>A on the plus strand (G>T on the coding strand, the complement: DUOX2 is on the minus strand). VCF-style: chr15-45101205-C-A. GRCh37 (hg19) VCF-style: chr15-45393403-C-A.
Other names: c.2921G>T, p.Arg974Leu (NM_014080.5); short protein forms R974L.
Identifiers: ClinVar variation 4811028 (VCV004811028.1).